The following is an entry in ClinVar:

NC_000022.11:g.50674638G>T

Gene: SHANK3 (SH3 and multiple ankyrin repeat domains 3; plus strand). Cytogenetic location: 22q13.33.
Variant type: single nucleotide variant.
Genome position: GRCh38 VCF-style: chr22-50674638-G-T. GRCh37 (hg19) VCF-style: chr22-51113066-G-T.
Other names: c.-4G>T (NM_033517.1).
Identifiers: ClinVar variation 1215997 (VCV001215997.7), dbSNP rs1171230055, ClinGen allele CA640058756.

ClinVar aggregate classification (germline): Conflicting classifications of pathogenicity. Review status: criteria provided, conflicting classifications (1 of 4 stars). 4 submissions from 4 submitters: Uncertain significance (1); Likely benign (3). Last evaluated 2026-07-01.

Conditions:
Inborn genetic diseases. Identifiers: MedGen C0950123, MeSH D030342.
SHANK3-related disorder. Also called: SHANK3-related condition.

Allele frequency attached by ClinVar (database versions not stated): gnomAD 0.00034 and 0.00039; TOPMed 0.00042; 1000 Genomes Project 30x 0.00047.

Submissions (4):

CeGaT Center for Human Genetics Tuebingen
Classification: Likely benign. Last evaluated: 2026-07-01. Review status: criteria provided, single submitter. Criteria: CeGaT Center For Human Genetics Tuebingen Variant Classification Criteria Version 2. Collection method: clinical testing. Allele origin: germline. Affected: yes. Observed: 2 variant alleles.
Comment: SHANK3: BP4, BP7, BS1

PreventionGenetics, part of Exact Sciences
Classification: Likely benign for SHANK3-related condition. Last evaluated: 2026-03-19. Review status: criteria provided, single submitter. Criteria: ACMG Guidelines, 2015. Collection method: clinical testing. Allele origin: germline.
Comment: This variant is classified as likely benign based on ACMG/AMP sequence variant interpretation guidelines (Richards et al. 2015 PMID: 25741868, with internal and published modifications).

GeneDx
Classification: Likely benign. Last evaluated: 2021-03-18. Review status: criteria provided, single submitter. Criteria: GeneDx Variant Classification Process June 2021. Collection method: clinical testing. Allele origin: germline. Affected: yes.

Ambry Genetics
Classification: Uncertain significance for Inborn genetic diseases. Last evaluated: 2020-10-30. Review status: criteria provided, single submitter. Criteria: Ambry Variant Classification Scheme 2023. Collection method: clinical testing. Allele origin: germline.
Comment: The c.-4G>T variant is located in the 5' untranslated region (5&rsquo; UTR) of the SHANK3 gene. This variant results from a G to T substitution 4 bases upstream from the first translated codon. This nucleotide position is not well conserved in available vertebrate species. Since supporting evidence is limited at this time, the clinical significance of this alteration remains unclear.